The following is an entry in ClinVar:

NM_007186.6(CEP250):c.7265del (p.Leu2422fs)

Gene: CEP250 (centrosomal protein 250; plus strand). Cytogenetic location: 20q11.22.
Variant type: Deletion.
Coding change: c.7265del on transcript NM_007186.6 (MANE Select); coding-DNA position 7265, one base deleted (T; older notation c.7265delT).
Protein change: p.Leu2422fs; shifts the reading frame from leucine 2422.
Molecular consequence: frameshift variant.
Genome position (GRCh38, 1-based): chr20:35,511,562, T deleted. VCF-style (leftmost placement, unchanged base first): chr20-35511561-CT-C. GRCh37 (hg19) VCF-style: chr20-34099390-CT-C.
Other names: c.5369del, p.Leu1790fs (NM_001318219.1); short protein forms L1790fs, L2422fs.
Identifiers: ClinVar variation 2630522 (VCV002630522.1), dbSNP rs2516406135, ClinGen allele CA2577382076.
Genomic context (GRCh38, chr20:35,511,561, plus strand): 5'-CCTGAGGCCACTGTCCTGGAGGCAGAGACCCGCAGGCTGGATGAGTCCCTGACTCAAAGT[CT>C]GACATCCCCAGGGCCAGTCCTGCTACACCCCAGCCCCAGCACTACCCAAGCCGCCTCCAG-3'

ClinVar aggregate classification (germline): Uncertain significance (1 of 4 stars; one submission).

Conditions:
CEP250-related disorder. Also called: CEP250-related condition.

Submission:

PreventionGenetics, part of Exact Sciences
Classification: Uncertain significance for CEP250-related condition. Last evaluated: 2023-09-28. Review status: criteria provided, single submitter. Criteria: ACMG Guidelines, 2015. Collection method: clinical testing. Allele origin: germline.
Comment: The CEP250 c.7265delT variant is predicted to result in a frameshift and premature protein termination (p.Leu2422Argfs*113). To our knowledge, this variant has not been reported in the literature or in a large population database, indicating this variant is rare. While loss of function is a well established mechanism of disease in CEP250, this loss of function variant is located in the terminal exon and therefore the transcript is not expected to undergo nonsense mediated decay. Therefore, although we suspect that this variant may be pathogenic, at this time, the clinical significance of this variant is uncertain due to the absence of conclusive functional and genetic evidence.